The following is an entry in ClinVar:

ClinVar aggregate classification (germline): Uncertain significance. Review status: criteria provided, multiple submitters, no conflicts (2 of 4 stars). 3 submissions from 3 submitters: Uncertain significance (3). Last evaluated 2026-01-11.

Conditions:
Hereditary cancer-predisposing syndrome. Also called: Neoplastic Syndromes, Hereditary; Tumor predisposition; Hereditary Cancer Syndrome; Hereditary neoplastic syndrome. Identifiers: Orphanet 140162, MedGen C0027672, MeSH D009386, MONDO:0015356.
Oligodontia-cancer predisposition syndrome. Also called: TOOTH AGENESIS-COLORECTAL CANCER SYNDROME. Identifiers: Orphanet 300576, MedGen C1837750, MONDO:0012075, OMIM 608615. Disease mechanism: loss of function.

Allele frequency attached by ClinVar (database versions not stated): gnomAD exomes below 0.00001; TOPMed below 0.00001; ExAC 0.00001; gnomAD 0.00001.

Submissions (3):

Labcorp Genetics (formerly Invitae), Labcorp
Classification: Uncertain significance for Oligodontia-cancer predisposition syndrome. Last evaluated: 2026-01-11. Review status: criteria provided, single submitter. Criteria: Invitae Variant Classification Sherloc (09022015). Collection method: clinical testing. Allele origin: germline.
Comment: This sequence change replaces valine, which is neutral and non-polar, with isoleucine, which is neutral and non-polar, at codon 619 of the AXIN2 protein (p.Val619Ile). This variant is present in population databases (rs745857521, gnomAD 0.003%). This variant has not been reported in the literature in individuals affected with AXIN2-related conditions. ClinVar contains an entry for this variant (Variation ID: 1026453). Invitae Evidence Modeling of protein sequence and biophysical properties (such as structural, functional, and spatial information, amino acid conservation, physicochemical variation, residue mobility, and thermodynamic stability) indicates that this missense variant is not expected to disrupt AXIN2 protein function with a negative predictive value of 80%. In summary, the available evidence is currently insufficient to determine the role of this variant in disease. Therefore, it has been classified as a Variant of Uncertain Significance.

Ambry Genetics
Classification: Uncertain significance for Hereditary cancer-predisposing syndrome. Last evaluated: 2025-04-04. Review status: criteria provided, single submitter. Criteria: Ambry Variant Classification Scheme 2023. Collection method: clinical testing. Allele origin: germline.
Comment: The p.V619I variant (also known as c.1855G>A), located in coding exon 6 of the AXIN2 gene, results from a G to A substitution at nucleotide position 1855. The valine at codon 619 is replaced by isoleucine, an amino acid with highly similar properties. This amino acid position is conserved. In addition, this alteration is predicted to be tolerated by in silico analysis. Based on the available evidence, the clinical significance of this variant remains unclear.

KCCC/NGS Laboratory, Kuwait Cancer Control Center
Classification: Uncertain significance for Oligodontia-cancer predisposition syndrome. Last evaluated: 2023-07-07. Review status: criteria provided, single submitter. Criteria: ACMG Guidelines, 2015. Collection method: clinical testing. Allele origin: unknown. Affected: yes.
Comment: This variant is a missense mutation that substitutes isoleucine amino acid for valine. It is reported in ExAC to have an allele frequency of 0.000008269. This variant is NOT one of the published disease-causing mutations in the AXIN2 gene and not reported in ClinVar or LOVD databases. Therefore, the possibility of developing one of the medical conditions related to pathogenic mutations in the AXIN2 gene is unknown at this time.

NM_004655.4(AXIN2):c.1855G>A (p.Val619Ile)

Gene: AXIN2 (axin 2; minus strand). Cytogenetic location: 17q24.1.
Variant type: single nucleotide variant.
Coding change: c.1855G>A on transcript NM_004655.4 (MANE Select); coding-DNA position 1855, G replaced by A.
Protein change: p.Val619Ile; replaces valine 619 with isoleucine.
Molecular consequence: missense variant. On other transcripts: intron variant (1).
Genome position (GRCh38, 1-based): chr17:65,536,921, C>T on the plus strand (G>A on the coding strand, the complement: AXIN2 is on the minus strand). VCF-style: chr17-65536921-C-T. GRCh37 (hg19) VCF-style: chr17-63533039-C-T.
Other names: c.1855G>A (NM_004655.3); c.1713-368G>A (NM_001363813.1); short protein forms V619I.
Identifiers: ClinVar variation 1026453 (VCV001026453.8), dbSNP rs745857521, ClinGen allele CA8718511.